The following is an entry in ClinVar:

ClinVar aggregate classification (germline): Uncertain significance (1 of 4 stars; one submission).

Conditions:
Inborn genetic diseases. Identifiers: MedGen C0950123, MeSH D030342.

gnomAD v4.1: 2 of 1,612,868 alleles (0.00012%); highest among the groups gnomAD compares: South Asian, 0.0022%; no homozygotes.

Submission:

Ambry Genetics
Classification: Uncertain significance for Inborn genetic diseases. Last evaluated: 2025-08-11. Review status: criteria provided, single submitter. Criteria: Ambry Variant Classification Scheme 2023. Collection method: clinical testing. Allele origin: germline.
Comment: The p.A1354T variant (also known as c.4060G>A), located in coding exon 1 of the SAMD9L gene, results from a G to A substitution at nucleotide position 4060. The alanine at codon 1354 is replaced by threonine, an amino acid with similar properties. This amino acid position is conserved. In addition, this alteration is predicted to be tolerated by in silico analysis. Based on the available evidence, the clinical significance of this variant remains unclear.

NM_152703.5(SAMD9L):c.4060G>A (p.Ala1354Thr)

Gene: SAMD9L (sterile alpha motif domain containing 9 like; minus strand). Cytogenetic location: 7q21.2.
Variant type: single nucleotide variant.
Coding change: c.4060G>A on transcript NM_152703.5 (MANE Select); coding-DNA position 4060, G replaced by A.
Protein change: p.Ala1354Thr; replaces alanine 1354 with threonine.
Molecular consequence: missense variant.
Genome position (GRCh38, 1-based): chr7:93,131,912, C>T on the plus strand (G>A on the coding strand, the complement: SAMD9L is on the minus strand). VCF-style: chr7-93131912-C-T. GRCh37 (hg19) VCF-style: chr7-92761225-C-T.
Other names: c.4060G>A, p.Ala1354Thr (NM_001303496.3, NM_001303497.3, NM_001303498.3 and 5 more transcripts); short protein forms A1354T.
Identifiers: ClinVar variation 4159385 (VCV004159385.1).